The following is an entry in ClinVar:

ClinVar aggregate classification (germline): Uncertain significance (1 of 4 stars; one submission).

Submission:

GeneDx
Classification: Uncertain significance. Last evaluated: 2023-03-17. Review status: criteria provided, single submitter. Criteria: GeneDx Variant Classification Process June 2021. Collection method: clinical testing. Allele origin: germline. Affected: yes.
Comment: Not observed at significant frequency in large population cohorts (gnomAD); Frameshift variant predicted to result in protein truncation or nonsense mediated decay in a gene or region of a gene for which loss of function is not a well-established mechanism of disease; Has not been previously published as pathogenic or benign to our knowledge

NM_001012426.2(FOXP4):c.1122dup (p.Ser375fs)

Gene: FOXP4 (forkhead box P4; plus strand). Cytogenetic location: 6p21.1.
Variant type: Duplication.
Coding change: c.1122dup on transcript NM_001012426.2 (MANE Select); coding-DNA position 1122, one base duplicated (C; older notation c.1122dupC).
Protein change: p.Ser375fs; shifts the reading frame from serine 375.
Molecular consequence: frameshift variant.
Genome position (GRCh38, 1-based): chr6:41,589,827, C duplicated; the last of 3 consecutive C bases (chr6:41,589,825-41,589,827); duplicating any one gives the same sequence. VCF-style (leftmost placement, unchanged base first): chr6-41589824-G-GC. GRCh37 (hg19) VCF-style: chr6-41557562-G-GC.
Other names: c.1116dup, p.Ser373fs (NM_001012427.2); c.1122dup, p.Ser375fs (NM_001405824.1); c.1026dup, p.Ser343fs (NM_001405825.1, NM_001405826.1); c.1119dup, p.Ser374fs (NM_138457.3); short protein forms S343fs, S373fs, S374fs, S375fs.
Identifiers: ClinVar variation 2580805 (VCV002580805.1), dbSNP rs2532423487, ClinGen allele CA2580618198.